The following is an entry in ClinVar:

NM_001165963.4(SCN1A):c.4216G>A (p.Ala1406Thr)

Genes: SCN1A (sodium voltage-gated channel alpha subunit 1; minus strand), LOC102724058 (uncharacterized LOC102724058; plus strand). Cytogenetic location: 2q24.3.
Variant type: single nucleotide variant.
Coding change: c.4216G>A on transcript NM_001165963.4 (MANE Select); coding-DNA position 4216, G replaced by A.
Protein change: p.Ala1406Thr; replaces alanine 1406 with threonine.
Molecular consequence: missense variant. On other transcripts: non-coding transcript variant (1).
Genome position (GRCh38, 1-based): chr2:166,002,540, C>T on the plus strand (G>A on the coding strand, the complement: SCN1A is on the minus strand). VCF-style: chr2-166002540-C-T. GRCh37 (hg19) VCF-style: chr2-166859050-C-T.
Other names: c.4132G>A, p.Ala1378Thr (NM_001165964.3, NM_001353957.2, NM_001353958.2); c.4216G>A, p.Ala1406Thr (NM_001202435.3, NM_001353948.2); c.4183G>A, p.Ala1395Thr (NM_001353949.2, NM_001353950.2, NM_001353951.2 and 2 more transcripts); c.4180G>A, p.Ala1394Thr (NM_001353954.2, NM_001353955.2); c.4129G>A, p.Ala1377Thr (NM_001353960.2); c.1774G>A, p.Ala592Thr (NM_001353961.2); short protein forms A1395T, A1406T, A1377T, A1378T, A1394T, A592T.
Identifiers: ClinVar variation 576683 (VCV000576683.10), dbSNP rs1559127505, ClinGen allele CA349050018.
Genomic context (GRCh38, chr2:166,002,540, plus strand): 5'-GCAAAGAGAGATACCCAAATCCTACATTATCAAAGTTTACTTTCACATTTTTCCATCGAG[C>T]AGTCTCATTTCTTTCTATTAGTTTTAGGCAATCAGTATGATTATTCACGTCTTCGATGTC-3'
Protein context (NP_001159435.1, residues 1396-1416): CLKLIERNET[Ala1406Thr]RWKNVKVNFD

ClinVar aggregate classification (germline): Pathogenic/Likely pathogenic. Review status: criteria provided, multiple submitters, no conflicts (2 of 4 stars). 2 submissions from 2 submitters: Pathogenic (1); Likely pathogenic (1). Last evaluated 2024-07-23.

Conditions:
Early-infantile DEE. Also called: Early infantile epileptic encephalopathy; Early infantile epileptic encephalopathy with suppression bursts; Ohtahara syndrome. Identifiers: Orphanet 1934, MedGen C0393706, MONDO:0800491.
Epilepsy. Also called: Seizure disorder. Identifiers: MedGen C0014544, MeSH D004827, MONDO:0005027.

Submissions (2):

Centre for Inherited Metabolic Diseases, Karolinska University Hospital
Classification: Likely pathogenic for epilepsy. Last evaluated: 2024-07-23. Review status: criteria provided, single submitter. Criteria: ACMG Guidelines, 2015. Collection method: clinical testing. Allele origin: inherited. Inheritance: Autosomal dominant inheritance. Affected: yes. Observed: 1 heterozygote.
Comment: The variant has been reported pathogenic (PS1, Lim et al. 2011, PMID: 21868258). The variant is rare in the healthy population (PM2 - supporting). The variant is predicted pathogenic (PP3).

Labcorp Genetics (formerly Invitae), Labcorp
Classification: Pathogenic for Early-infantile DEE. Last evaluated: 2024-06-17. Review status: criteria provided, single submitter. Criteria: Invitae Variant Classification Sherloc (09022015). Collection method: clinical testing. Allele origin: germline.
Comment: This sequence change replaces alanine, which is neutral and non-polar, with threonine, which is neutral and polar, at codon 1406 of the SCN1A protein (p.Ala1406Thr). This variant is not present in population databases (gnomAD no frequency). This missense change has been observed in individual(s) with clinical features of SCN1A-related conditions (PMID: 21868258; Invitae). ClinVar contains an entry for this variant (Variation ID: 576683). Advanced modeling of protein sequence and biophysical properties (such as structural, functional, and spatial information, amino acid conservation, physicochemical variation, residue mobility, and thermodynamic stability) performed at Invitae indicates that this missense variant is expected to disrupt SCN1A protein function with a positive predictive value of 95%. This variant disrupts the p.Ala1406 amino acid residue in SCN1A. Other variant(s) that disrupt this residue have been observed in individuals with SCN1A-related conditions (PMID: 21868258; Invitae), which suggests that this may be a clinically significant amino acid residue. For these reasons, this variant has been classified as Pathogenic.

Literature cited by the submitters: PubMed 21868258 (cited by Labcorp Genetics (formerly Invitae), Labcorp).